The following is an entry in ClinVar:

NM_000222.3(KIT):c.434A>G (p.Asn145Ser)

Gene: KIT (KIT proto-oncogene, receptor tyrosine kinase; plus strand). Cytogenetic location: 4q12.
Variant type: single nucleotide variant.
Coding change: c.434A>G on transcript NM_000222.3 (MANE Select); coding-DNA position 434, A replaced by G.
Protein change: p.Asn145Ser; replaces asparagine 145 with serine.
Molecular consequence: missense variant.
Genome position (GRCh38, 1-based): chr4:54,698,380, A>G. VCF-style: chr4-54698380-A-G. GRCh37 (hg19) VCF-style: chr4-55564546-A-G.
Other names: c.434A>G, p.Asn145Ser (NM_001093772.2, NM_001385284.1, NM_001385285.1 and 4 more transcripts); short protein forms N145S.
Identifiers: ClinVar variation 409726 (VCV000409726.13), dbSNP rs1003144287, ClinGen allele CA16611530.

ClinVar aggregate classification (germline): Conflicting classifications of pathogenicity. Review status: criteria provided, conflicting classifications (1 of 4 stars). 3 submissions from 3 submitters: Uncertain significance (2); Likely benign (1). Last evaluated 2025-12-17.

Conditions:
Hereditary cancer-predisposing syndrome. Also called: Neoplastic Syndromes, Hereditary; Hereditary Cancer Syndrome; Hereditary neoplastic syndrome; Tumor predisposition. Identifiers: Orphanet 140162, MedGen C0027672, MeSH D009386, MONDO:0015356.
Gastrointestinal stromal tumor. Also called: Gastrointestinal stroma tumor; Gastrointestinal stromal tumor, somatic. Identifiers: Orphanet 44890, MedGen C0238198, MeSH D046152, MONDO:0011719, OMIM 606764, HP:0100723.

Allele frequency attached by ClinVar (database versions not stated): gnomAD exomes below 0.00001; TOPMed below 0.00001; gnomAD 0.00001 and below 0.00001.
gnomAD v4.1: 6 of 1,614,070 alleles (0.00037%); highest among the groups gnomAD compares: South Asian, 0.0011%; no homozygotes.

Submissions (3):

Labcorp Genetics (formerly Invitae), Labcorp
Classification: Uncertain significance for Gastrointestinal stromal tumor. Last evaluated: 2025-12-17. Review status: criteria provided, single submitter. Criteria: Invitae Variant Classification Sherloc (09022015). Collection method: clinical testing. Allele origin: germline.
Comment: This sequence change replaces asparagine, which is neutral and polar, with serine, which is neutral and polar, at codon 145 of the KIT protein (p.Asn145Ser). This variant is present in population databases (no rsID available, gnomAD 0.0009%). This variant has not been reported in the literature in individuals affected with KIT-related conditions. ClinVar contains an entry for this variant (Variation ID: 409726). An algorithm developed to predict the effect of missense changes on protein structure and function outputs the following: PolyPhen-2: "Benign". The serine amino acid residue is found in multiple mammalian species, which suggests that this missense change does not adversely affect protein function. In summary, the available evidence is currently insufficient to determine the role of this variant in disease. Therefore, it has been classified as a Variant of Uncertain Significance.

GeneDx
Classification: Uncertain significance. Last evaluated: 2024-01-31. Review status: criteria provided, single submitter. Criteria: GeneDx Variant Classification Process June 2021. Collection method: clinical testing. Allele origin: germline. Affected: yes.
Comment: Not observed at significant frequency in large population cohorts (gnomAD); In silico analysis supports that this missense variant does not alter protein structure/function; Has not been previously published as pathogenic or benign to our knowledge

Ambry Genetics
Classification: Likely benign for Hereditary cancer-predisposing syndrome. Last evaluated: 2019-11-04. Review status: criteria provided, single submitter. Criteria: Ambry Variant Classification Scheme 2023. Collection method: clinical testing. Allele origin: germline.